The following is an entry in ClinVar:

ClinVar aggregate classification (germline): Uncertain significance (1 of 4 stars; one submission).

Conditions:
Early-onset Lafora body disease. Also called: Epilepsy, progressive myoclonic, 10. Identifiers: Orphanet 324290, MedGen C4225258, MONDO:0014717, OMIM 616640.

Submission:

Labcorp Genetics (formerly Invitae), Labcorp
Classification: Uncertain significance for Early-onset Lafora body disease. Last evaluated: 2024-10-23. Review status: criteria provided, single submitter. Criteria: Invitae Variant Classification Sherloc (09022015). Collection method: clinical testing. Allele origin: germline.
Comment: This sequence change replaces glutamic acid, which is acidic and polar, with methionine, which is neutral and non-polar, at codon 651 of the PRDM8 protein (p.Glu651Met). Information on the frequency of this variant in the gnomAD database is not available, as this variant may be reported differently in the database. This variant has not been reported in the literature in individuals affected with PRDM8-related conditions. ClinVar contains an entry for this variant (Variation ID: 662898). An algorithm developed to predict the effect of missense changes on protein structure and function (PolyPhen-2) suggests that this variant is likely to be disruptive. In summary, the available evidence is currently insufficient to determine the role of this variant in disease. Therefore, it has been classified as a Variant of Uncertain Significance.

NM_001099403.2(PRDM8):c.1951_1952delinsAT (p.Glu651Met)

Gene: PRDM8 (PR/SET domain 8; plus strand). Cytogenetic location: 4q21.21.
Variant type: Indel.
Coding change: c.1951_1952delinsAT on transcript NM_001099403.2 (MANE Select); coding-DNA positions 1951 to 1952, GA replaced by AT.
Protein change: p.Glu651Met; replaces glutamic acid 651 with methionine.
Molecular consequence: missense variant.
Genome position (GRCh38, 1-based): chr4:80,203,413-80,203,414, GA replaced by AT. VCF-style: chr4-80203413-GA-AT. GRCh37 (hg19) VCF-style: chr4-81124567-GA-AT.
Other names: c.1951_1952delinsAT, p.Glu651Met (NM_020226.4); short protein forms E651M.
Identifiers: ClinVar variation 662898 (VCV000662898.7), dbSNP rs1578268165, ClinGen allele CA915943130.
Genomic context (GRCh38, chr4:80,203,413, plus strand): 5'-AATGCCTCCTTCCGCATGACCTCCGACCTGGTGTACCATATGAGGTCGCACCACAAAAAG[GA>AT]GTATGCGATGGAGCCCTTGGTGAAGCGGCGGCGAGAGGAGAAACTCAAGTGCCCCATCTG-3'
Protein context (NP_001092873.1, residues 641-661): VYHMRSHHKK[Glu651Met]YAMEPLVKRR